The following is an entry in ClinVar:

NM_003998.4(NFKB1):c.928-13T>A

Gene: NFKB1 (nuclear factor kappa B subunit 1; plus strand). Cytogenetic location: 4q24.
Variant type: single nucleotide variant.
Coding change: c.928-13T>A on transcript NM_003998.4 (MANE Select); 13 bases into the intron before coding-DNA position 928, T replaced by A.
Molecular consequence: intron variant.
Genome position (GRCh38, 1-based): chr4:102,584,669, T>A. VCF-style: chr4-102584669-T-A. GRCh37 (hg19) VCF-style: chr4-103505826-T-A.
Other names: c.928-13T>A (NM_001382626.1, NM_001382625.1); c.925-13T>A (NM_001382627.1, NM_001165412.2, NM_001319226.2); c.886-13T>A (NM_001382628.1).
Identifiers: ClinVar variation 1902201 (VCV001902201.6), dbSNP rs369393341, ClinGen allele CA3026023.

ClinVar aggregate classification (germline): Uncertain significance. Review status: criteria provided, multiple submitters, no conflicts (2 of 4 stars). 2 submissions from 2 submitters: Uncertain significance (2). Last evaluated 2024-03-13.

Allele frequency attached by ClinVar (database versions not stated): ExAC 0.00002; gnomAD 0.00003; gnomAD exomes 0.00004; ESP Exome Variant Server 0.00008.
gnomAD v4.1: 57 of 1,580,478 alleles (0.0036%); highest among the groups gnomAD compares: Non-Finnish European, 0.0047%; no homozygotes.

Submissions (2):

Labcorp Genetics (formerly Invitae), Labcorp
Classification: Uncertain significance. Last evaluated: 2024-03-13. Review status: criteria provided, single submitter. Criteria: Invitae Variant Classification Sherloc (09022015). Collection method: clinical testing. Allele origin: germline.
Comment: This sequence change falls in intron 10 of the NFKB1 gene. It does not directly change the encoded amino acid sequence of the NFKB1 protein. This variant is present in population databases (rs369393341, gnomAD 0.004%). This variant has not been reported in the literature in individuals affected with NFKB1-related conditions. ClinVar contains an entry for this variant (Variation ID: 1902201). Algorithms developed to predict the effect of sequence changes on RNA splicing suggest that this variant may disrupt the consensus splice site. In summary, the available evidence is currently insufficient to determine the role of this variant in disease. Therefore, it has been classified as a Variant of Uncertain Significance.

Blueprint Genetics
Classification: Uncertain significance. Last evaluated: 2023-02-08. Review status: criteria provided, single submitter. Criteria: ACMG Guidelines, 2015. Collection method: clinical testing. Allele origin: germline.